The following is an entry in ClinVar:

NM_130468.4(CHST14):c.749G>A (p.Gly250Glu)

Gene: CHST14 (carbohydrate sulfotransferase 14; plus strand). Cytogenetic location: 15q15.1.
Variant type: single nucleotide variant.
Coding change: c.749G>A on transcript NM_130468.4 (MANE Select); coding-DNA position 749, G replaced by A.
Protein change: p.Gly250Glu; replaces glycine 250 with glutamic acid.
Molecular consequence: missense variant.
Genome position (GRCh38, 1-based): chr15:40,471,962, G>A. VCF-style: chr15-40471962-G-A. GRCh37 (hg19) VCF-style: chr15-40764161-G-A.
Other names: short protein forms G250E.
Identifiers: ClinVar variation 4887351 (VCV004887351.1).

ClinVar aggregate classification (germline): Uncertain significance (1 of 4 stars; one submission).

Submission:

Women's Health and Genetics/Laboratory Corporation of America, LabCorp
Classification: Uncertain significance. Last evaluated: 2026-06-10. Review status: criteria provided, single submitter. Criteria: LabCorp Variant Classification Summary - May 2015. Collection method: clinical testing. Allele origin: germline.
Comment: Variant summary: CHST14 c.749G>A (p.Gly250Glu) results in a non-conservative amino acid change in the encoded protein sequence. Algorithms developed to predict the effect of missense changes on protein structure and function are either unavailable or do not agree on the potential impact of this missense change. The variant was absent in 251356 control chromosomes. The available data on variant occurrences in the general population are insufficient to allow any conclusion about variant significance. To our knowledge, no occurrence of c.749G>A in individuals affected with CHST14-related conditions and no experimental evidence demonstrating its impact on protein function have been reported. No submitters have cited clinical-significance assessments for this variant to ClinVar. Based on the evidence outlined above, the variant was classified as uncertain significance.